The following is an entry in ClinVar:

NM_001184.4(ATR):c.4152+8G>T

Gene: ATR (ATR serine/threonine kinase; minus strand). Cytogenetic location: 3q23.
Variant type: single nucleotide variant.
Coding change: c.4152+8G>T on transcript NM_001184.4 (MANE Select); 8 bases into the intron after coding-DNA position 4152, G replaced by T.
Molecular consequence: intron variant.
Genome position (GRCh38, 1-based): chr3:142,523,985, C>A on the plus strand (G>T on the coding strand, the complement: ATR is on the minus strand). VCF-style: chr3-142523985-C-A. GRCh37 (hg19) VCF-style: chr3-142242827-C-A.
Other names: c.3960+8G>T (NM_001354579.2).
Identifiers: ClinVar variation 3339067 (VCV003339067.1).

ClinVar aggregate classification (germline): Uncertain significance (1 of 4 stars; one submission).

Submission:

Women's Health and Genetics/Laboratory Corporation of America, LabCorp
Classification: Uncertain significance. Last evaluated: 2024-07-08. Review status: criteria provided, single submitter. Criteria: LabCorp Variant Classification Summary - May 2015. Collection method: clinical testing. Allele origin: germline.
Comment: Variant summary: ATR c.4152+8G>T alters a non-conserved nucleotide located close to a canonical splice site and therefore could affect mRNA splicing, leading to a significantly altered protein sequence. Consensus agreement among computation tools predict no significant impact on normal splicing. However, these predictions have yet to be confirmed by functional studies. The variant was absent in 251020 control chromosomes. The available data on variant occurrences in the general population are insufficient to allow any conclusion about variant significance. To our knowledge, no occurrence of c.4152+8G>T in individuals affected with &phenotype& and no experimental evidence demonstrating its impact on protein function have been reported. No submitters have cited clinical-significance assessments for this variant to ClinVar. Based on the evidence outlined above, the variant was classified as uncertain significance.